The following is an entry in ClinVar:

ClinVar aggregate classification (germline): Conflicting classifications of pathogenicity. Review status: criteria provided, conflicting classifications (1 of 4 stars). 3 submissions from 3 submitters: Uncertain significance (2); Likely benign (1). Last evaluated 2025-05-25.

Conditions:
Adams-Oliver syndrome 5 (AOS5). Identifiers: Orphanet 974, MedGen C4014970, MONDO:0014459, OMIM 616028.
Familial thoracic aortic aneurysm and aortic dissection (TAAD). Also called: Thoracic aortic aneurysms and dissections. Identifiers: Orphanet 91387, MedGen C4707243, MONDO:0019625.

Allele frequency attached by ClinVar (database versions not stated): gnomAD exomes 0.00001; TOPMed 0.00001.
gnomAD v4.1: 12 of 1,556,228 alleles (0.00077%); highest among the groups gnomAD compares: Middle Eastern, 0.02%; no homozygotes.

Submissions (3):

Labcorp Genetics (formerly Invitae), Labcorp
Classification: Likely benign for Adams-Oliver syndrome 5. Last evaluated: 2025-05-25. Review status: criteria provided, single submitter. Criteria: Invitae Variant Classification Sherloc (09022015). Collection method: clinical testing. Allele origin: germline.

CHEO Genetics Diagnostic Laboratory, Children's Hospital of Eastern Ontario
Classification: Uncertain significance for Familial thoracic aortic aneurysm and aortic dissection. Last evaluated: 2021-06-08. Review status: criteria provided, single submitter. Criteria: ACMG Guidelines, 2015. Collection method: clinical testing. Allele origin: germline.

GeneDx
Classification: Uncertain significance. Last evaluated: 2019-10-02. Review status: criteria provided, single submitter. Criteria: GeneDx Variant Classification Process June 2021. Collection method: clinical testing. Allele origin: germline. Affected: yes.
Comment: Has not been previously published as pathogenic or benign to our knowledge; Not observed at a significant frequency in large population cohorts (Lek et al., 2016); At the protein level, in silico analysis, which includes protein predictors and evolutionary conservation, supports a deleterious effect; At the mRNA level, in silico analysis, which includes splice predictors and evolutionary conservation, suggests this variant creates a cryptic splice donor site; however, in the absence of functional mRNA studies, the physiological consequence of this variant cannot be precisely determined

NM_017617.5(NOTCH1):c.3068A>G (p.Asn1023Ser)

Gene: NOTCH1 (notch receptor 1; minus strand). Cytogenetic location: 9q34.3.
Variant type: single nucleotide variant.
Coding change: c.3068A>G on transcript NM_017617.5 (MANE Select); coding-DNA position 3068, A replaced by G.
Protein change: p.Asn1023Ser; replaces asparagine 1023 with serine.
Molecular consequence: missense variant.
Genome position (GRCh38, 1-based): chr9:136,508,973, T>C on the plus strand (A>G on the coding strand, the complement: NOTCH1 is on the minus strand). VCF-style: chr9-136508973-T-C. GRCh37 (hg19) VCF-style: chr9-139403425-T-C.
Other names: short protein forms N1023S.
Identifiers: ClinVar variation 1201204 (VCV001201204.8), dbSNP rs937138982, ClinGen allele CA201581171.
Genomic context (GRCh38, chr9:136,508,973, plus strand): 5'-TAGGAGCCGCAGCCGTCCTGACAGGTGCCGCCATGCAGGCAGGGCTGTGAGTCGCACTCA[T>C]TGACATCGTGCTGGCAGTAGCTGCCCGTGAAGCCGGGTGGACACAGGCAGGTGAACGAGT-3'
Protein context (NP_060087.3, residues 1013-1033): FTGSYCQHDV[Asn1023Ser]ECDSQPCLHG